The following is an entry in ClinVar:

ClinVar aggregate classification (germline): Uncertain significance (1 of 4 stars; one submission).

Conditions:
SEMA3D-related disorder. Also called: SEMA3D-related condition.

gnomAD v4.1: 5 of 1,611,046 alleles (0.00031%); highest among the groups gnomAD compares: East Asian, 0.0067%; no homozygotes.

Submission:

PreventionGenetics, part of Exact Sciences
Classification: Uncertain significance for SEMA3D-related condition. Last evaluated: 2026-02-10. Review status: criteria provided, single submitter. Criteria: ACMG Guidelines, 2015. Collection method: clinical testing. Allele origin: germline.
Comment: The SEMA3D c.1061G>C variant is predicted to result in the amino acid substitution p.Gly354Ala. To our knowledge, this variant has not been reported in the literature. This variant is reported in 0.00089% of alleles in individuals of European (Non-Finnish) descent in gnomAD. At this time, the clinical significance of this variant is uncertain due to the absence of conclusive functional and genetic evidence.

NM_001384900.1(SEMA3D):c.1061G>C (p.Gly354Ala)

Gene: SEMA3D (semaphorin 3D; minus strand). Cytogenetic location: 7q21.11.
Variant type: single nucleotide variant.
Coding change: c.1061G>C on transcript NM_001384900.1 (MANE Select); coding-DNA position 1061, G replaced by C.
Protein change: p.Gly354Ala; replaces glycine 354 with alanine.
Molecular consequence: missense variant.
Genome position (GRCh38, 1-based): chr7:85,037,019, C>G on the plus strand (G>C on the coding strand, the complement: SEMA3D is on the minus strand). VCF-style: chr7-85037019-C-G. GRCh37 (hg19) VCF-style: chr7-84666335-C-G.
Other names: c.1061G>C, p.Gly354Ala (NM_001384901.1, NM_001384902.1, NM_001384903.1 and 1 more transcripts); short protein forms G354A.
Identifiers: ClinVar variation 4987731 (VCV004987731.1).